The following is an entry in ClinVar:

ClinVar aggregate classification (germline): Likely pathogenic (1 of 4 stars; one submission).

Conditions:
Inborn genetic diseases. Identifiers: MedGen C0950123, MeSH D030342.

Submission:

Ambry Genetics
Classification: Likely pathogenic for Inborn genetic diseases. Last evaluated: 2026-06-11. Review status: criteria provided, single submitter. Criteria: Ambry Variant Classification Scheme 2023. Collection method: clinical testing. Allele origin: germline.
Comment: The c.820dupC variant, located in coding exon 7 of the RUNX1 gene, results from a duplication of C at nucleotide position 820, causing a translational frameshift with a predicted alternate stop codon (p.Q274Pfs*326). This variant occurs at the 3' terminus of thegene, is not expected to trigger nonsense-mediated mRNAdecay, and results in the elongation of the protein by 118 amino acids. This frameshift impacts the last 43%of amino acids of the native protein. However, frameshifts are typically deleterious in nature and a significant portion of the protein is affected (Ambry internal data). This variant is considered to be rare based on population cohorts in the Genome Aggregation Database (gnomAD). Based on the majority of available evidence to date, this variant is likely to be pathogenic.

NM_001754.5(RUNX1):c.820dup (p.Gln274fs)

Gene: RUNX1 (RUNX family transcription factor 1; minus strand). Cytogenetic location: 21q22.12.
Variant type: Duplication.
Coding change: c.820dup on transcript NM_001754.5 (MANE Select); coding-DNA position 820, one base duplicated (C; older notation c.820dupC).
Protein change: p.Gln274fs; shifts the reading frame from glutamine 274.
Molecular consequence: frameshift variant.
Genome position (GRCh38, 1-based): chr21:34,799,448, G duplicated on the plus strand (C on the coding strand, the reverse complement: RUNX1 is on the minus strand); the first of 2 consecutive G bases (chr21:34,799,448-34,799,449); duplicating either gives the same sequence. VCF-style (leftmost placement, unchanged base first): chr21-34799447-T-TG. GRCh37 (hg19) VCF-style: chr21-36171744-T-TG.
Other names: c.739dup, p.Gln247fs (NM_001001890.3); c.820dupC (NM_001754.4); short protein forms Q247fs, Q274fs.
Identifiers: ClinVar variation 4863665 (VCV004863665.1).